The following is an entry in ClinVar:

NM_000065.5(C6):c.1615_1633del (p.Cys539fs)

Gene: C6 (complement C6; minus strand). Cytogenetic location: 5p13.1.
Variant type: Deletion.
Coding change: c.1615_1633del on transcript NM_000065.5 (MANE Select); coding-DNA positions 1615 to 1633, 19 bases deleted (TGTCTGTGTGTGTGTCAGA).
Protein change: p.Cys539fs; shifts the reading frame from cysteine 539.
Molecular consequence: frameshift variant.
Genome position (GRCh38, 1-based): chr5:41,160,193-41,160,211, TCTGACACACACACAGACA deleted on the plus strand (TGTCTGTGTGTGTGTCAGA on the coding strand, the reverse complement: C6 is on the minus strand); deleting any 19 consecutive bases within chr5:41,160,193-41,160,212 gives the same sequence; the c. name uses the placement nearest the transcript's 3' end. VCF-style (leftmost placement, unchanged base first): chr5-41160192-CTCTGACACACACACAGACA-C. GRCh37 (hg19) VCF-style: chr5-41160294-CTCTGACACACACACAGACA-C.
Other names: c.1615_1633del, p.Cys539fs (NM_001115131.4); short protein forms C539fs.
Identifiers: ClinVar variation 4774937 (VCV004774937.1).

ClinVar aggregate classification (germline): Pathogenic (1 of 4 stars; one submission).

Submission:

Labcorp Genetics (formerly Invitae), Labcorp
Classification: Pathogenic. Last evaluated: 2025-09-15. Review status: criteria provided, single submitter. Criteria: Invitae Variant Classification Sherloc (09022015). Collection method: clinical testing. Allele origin: germline.
Comment: This sequence change creates a premature translational stop signal (p.Cys539Valfs*20) in the C6 gene. It is expected to result in an absent or disrupted protein product. Loss-of-function variants in C6 are known to be pathogenic (PMID: 17257682). This variant is not present in population databases (gnomAD no frequency). This variant has not been reported in the literature in individuals affected with C6-related conditions. For these reasons, this variant has been classified as Pathogenic.

Literature cited by the submitters: PubMed 17257682.